The following is an entry in ClinVar:

NM_198721.4(COL25A1):c.216C>G (p.Ala72=)

Gene: COL25A1 (collagen type XXV alpha 1 chain; minus strand). Cytogenetic location: 4q25.
Variant type: single nucleotide variant.
Coding change: c.216C>G on transcript NM_198721.4 (MANE Select); coding-DNA position 216, C replaced by G.
Protein change: p.Ala72=; no amino-acid change (alanine 72 retained).
Molecular consequence: synonymous variant. On other transcripts: non-coding transcript variant (1).
Genome position (GRCh38, 1-based): chr4:109,301,804, G>C on the plus strand (C>G on the coding strand, the complement: COL25A1 is on the minus strand). VCF-style: chr4-109301804-G-C. GRCh37 (hg19) VCF-style: chr4-110222960-G-C.
Other names: c.216C>G, p.Ala72= (NM_001256074.3, NM_032518.4).
Identifiers: ClinVar variation 3040159 (VCV003040159.2), dbSNP rs202176344, ClinGen allele CA3039962.

ClinVar aggregate classification (germline): Likely benign (0 of 4 stars; one submission).

Conditions:
COL25A1-related disorder. Also called: COL25A1-related condition.

Allele frequency attached by ClinVar (database versions not stated): ExAC 0.00003; TOPMed 0.00010; gnomAD 0.00011; gnomAD exomes 0.00015; ESP Exome Variant Server 0.00024.
gnomAD v4.1: 233 of 1,614,128 alleles (0.014%); highest among the groups gnomAD compares: Non-Finnish European, 0.019%; no homozygotes.

Submission:

PreventionGenetics, part of Exact Sciences
Classification: Likely benign for COL25A1-related condition. Last evaluated: 2019-03-05. Review status: no assertion criteria provided. Collection method: clinical testing. Allele origin: germline.
Comment: This variant is classified as likely benign based on ACMG/AMP sequence variant interpretation guidelines (Richards et al. 2015 PMID: 25741868, with internal and published modifications).